The following is an entry in ClinVar:

ClinVar aggregate classification (germline): Uncertain significance (1 of 4 stars; one submission).

Allele frequency attached by ClinVar (database versions not stated): gnomAD 0.00001; TOPMed 0.00001.

Submission:

Labcorp Genetics (formerly Invitae), Labcorp
Classification: Uncertain significance. Last evaluated: 2022-02-10. Review status: criteria provided, single submitter. Criteria: Invitae Variant Classification Sherloc (09022015). Collection method: clinical testing. Allele origin: germline.
Comment: This variant is not present in population databases (gnomAD no frequency). This variant has not been reported in the literature in individuals affected with FSCN2-related conditions. ClinVar contains an entry for this variant (Variation ID: 1000871). Algorithms developed to predict the effect of missense changes on protein structure and function are either unavailable or do not agree on the potential impact of this missense change (SIFT: "Deleterious"; PolyPhen-2: "Benign"; Align-GVGD: "Class C0"). In summary, the available evidence is currently insufficient to determine the role of this variant in disease. Therefore, it has been classified as a Variant of Uncertain Significance. This sequence change replaces proline, which is neutral and non-polar, with arginine, which is basic and polar, at codon 374 of the FSCN2 protein (p.Pro374Arg).

NM_012418.4(FSCN2):c.1106-57C>G

Gene: FSCN2 (fascin actin-bundling protein 2, retinal; plus strand). Cytogenetic location: 17q25.3.
Variant type: single nucleotide variant.
Coding change: c.1106-57C>G on transcript NM_012418.4 (MANE Select); 57 bases into the intron before coding-DNA position 1106, C replaced by G.
Molecular consequence: intron variant. On other transcripts: missense variant (1).
Genome position (GRCh38, 1-based): chr17:81,536,565, C>G. VCF-style: chr17-81536565-C-G. GRCh37 (hg19) VCF-style: chr17-79503591-C-G.
Other names: c.1121C>G, p.Pro374Arg (NM_001077182.3); short protein forms P374R.
Identifiers: ClinVar variation 1000871 (VCV001000871.8), dbSNP rs769902092, ClinGen allele CA401477307.